The following is an entry in ClinVar:

NM_002180.3(IGHMBP2):c.222C>T (p.Ser74=)

Gene: IGHMBP2 (immunoglobulin mu DNA binding protein 2; plus strand). Cytogenetic location: 11q13.3.
Variant type: single nucleotide variant.
Coding change: c.222C>T on transcript NM_002180.3 (MANE Select); coding-DNA position 222, C replaced by T.
Protein change: p.Ser74=; no amino-acid change (serine 74 retained).
Molecular consequence: synonymous variant.
Genome position (GRCh38, 1-based): chr11:68,906,204, C>T. VCF-style: chr11-68906204-C-T. GRCh37 (hg19) VCF-style: chr11-68673672-C-T.
Identifiers: ClinVar variation 534940 (VCV000534940.18), dbSNP rs139237340, ClinGen allele CA223383723.

ClinVar aggregate classification (germline): Likely benign. Review status: criteria provided, multiple submitters, no conflicts (2 of 4 stars). 4 submissions from 4 submitters: Likely benign (4). Last evaluated 2026-07-14.

Conditions:
IGHMBP2-related disorder. Also called: IGHMBP2-related condition; IGHMBP2-related disorders.
Inborn genetic diseases. Identifiers: MedGen C0950123, MeSH D030342.
Charcot-Marie-Tooth disease axonal type 2S. Also called: CHARCOT-MARIE-TOOTH NEUROPATHY, TYPE 2S; CHARCOT-MARIE-TOOTH DISEASE, AXONAL, AUTOSOMAL RECESSIVE, TYPE 2S. Identifiers: Orphanet 443073, MedGen C4015349, MONDO:0014511, OMIM 616155.
Autosomal recessive distal spinal muscular atrophy 1. Also called: Spinal muscular atrophy with respiratory distress 1; NEURONOPATHY, DISTAL HEREDITARY MOTOR, HARDING TYPE VI; NEUROPATHY, DISTAL HEREDITARY MOTOR, AUTOSOMAL RECESSIVE 1; HMN VI; NEURONOPATHY, SEVERE INFANTILE AXONAL, WITH RESPIRATORY FAILURE; SEVERE INFANTILE AXONAL NEUROPATHY WITH RESPIRATORY FAILURE. Identifiers: Orphanet 98920, MedGen C1858517, MONDO:0011436, OMIM 604320.

Allele frequency attached by ClinVar (database versions not stated): TOPMed 0.00003; gnomAD 0.00004; ESP Exome Variant Server 0.00008.
gnomAD v4.1: 39 of 1,613,896 alleles (0.0024%); highest among the groups gnomAD compares: Non-Finnish European, 0.0028%; no homozygotes.

Submissions (4):

PreventionGenetics, part of Exact Sciences
Classification: Likely benign for IGHMBP2-related condition. Last evaluated: 2026-07-14. Review status: criteria provided, single submitter. Criteria: ACMG Guidelines, 2015. Collection method: clinical testing. Allele origin: germline.
Comment: This variant is classified as likely benign based on ACMG/AMP sequence variant interpretation guidelines (Richards et al. 2015 PMID: 25741868, with internal and published modifications).

Labcorp Genetics (formerly Invitae), Labcorp
Classification: Likely benign for Autosomal recessive distal spinal muscular atrophy 1; Charcot-Marie-Tooth disease axonal type 2S. Last evaluated: 2025-02-11. Review status: criteria provided, single submitter. Criteria: Invitae Variant Classification Sherloc (09022015). Collection method: clinical testing. Allele origin: germline.

Ambry Genetics
Classification: Likely benign for Inborn genetic diseases. Last evaluated: 2019-07-11. Review status: criteria provided, single submitter. Criteria: Ambry Variant Classification Scheme 2023. Collection method: clinical testing. Allele origin: germline.

ARUP Laboratories, Molecular Genetics and Genomics, ARUP Laboratories
Classification: Likely benign. Last evaluated: 2018-10-02. Review status: criteria provided, single submitter. Criteria: ARUP Molecular Germline Variant Investigation Process. Collection method: clinical testing. Allele origin: germline.